The following is an entry in ClinVar:

ClinVar aggregate classification (germline): Uncertain significance. Review status: criteria provided, multiple submitters, no conflicts (2 of 4 stars). 2 submissions from 2 submitters: Uncertain significance (2). Last evaluated 2024-11-10.

Conditions:
Inborn genetic diseases. Identifiers: MedGen C0950123, MeSH D030342.

Allele frequency attached by ClinVar (database versions not stated): TOPMed below 0.00001; gnomAD 0.00001; ExAC 0.00002.
gnomAD v4.1: 16 of 1,614,026 alleles (0.00099%); highest among the groups gnomAD compares: Middle Eastern, 0.016%; no homozygotes.

Submissions (2):

Ambry Genetics
Classification: Uncertain significance for Inborn genetic diseases. Last evaluated: 2024-11-10. Review status: criteria provided, single submitter. Criteria: Ambry Variant Classification Scheme 2023. Collection method: clinical testing. Allele origin: germline.

Labcorp Genetics (formerly Invitae), Labcorp
Classification: Uncertain significance. Last evaluated: 2023-08-04. Review status: criteria provided, single submitter. Criteria: Invitae Variant Classification Sherloc (09022015). Collection method: clinical testing. Allele origin: germline.
Comment: This variant is present in population databases (rs747658857, gnomAD 0.006%). In summary, the available evidence is currently insufficient to determine the role of this variant in disease. Therefore, it has been classified as a Variant of Uncertain Significance. Advanced modeling of protein sequence and biophysical properties (such as structural, functional, and spatial information, amino acid conservation, physicochemical variation, residue mobility, and thermodynamic stability) performed at Invitae indicates that this missense variant is not expected to disrupt EXTL3 protein function. ClinVar contains an entry for this variant (Variation ID: 2166276). This variant has not been reported in the literature in individuals affected with EXTL3-related conditions. This sequence change replaces arginine, which is basic and polar, with cysteine, which is neutral and slightly polar, at codon 28 of the EXTL3 protein (p.Arg28Cys).

NM_001440.4(EXTL3):c.82C>T (p.Arg28Cys)

Gene: EXTL3 (exostosin like glycosyltransferase 3; plus strand). Cytogenetic location: 8p21.1.
Variant type: single nucleotide variant.
Coding change: c.82C>T on transcript NM_001440.4 (MANE Select); coding-DNA position 82, C replaced by T.
Protein change: p.Arg28Cys; replaces arginine 28 with cysteine.
Molecular consequence: missense variant.
Genome position (GRCh38, 1-based): chr8:28,716,141, C>T. VCF-style: chr8-28716141-C-T. GRCh37 (hg19) VCF-style: chr8-28573658-C-T.
Other names: c.82C>T (NM_001440.2); short protein forms R28C.
Identifiers: ClinVar variation 2166276 (VCV002166276.5), dbSNP rs747658857, ClinGen allele CA4695928.